The following is an entry in ClinVar:

ClinVar aggregate classification (germline): Conflicting classifications of pathogenicity. Review status: criteria provided, conflicting classifications (1 of 4 stars). 2 submissions from 2 submitters: Likely pathogenic (1); Uncertain significance (1). Last evaluated 2025-02-13.

Submissions (2):

GeneDx
Classification: Likely pathogenic. Last evaluated: 2025-02-13. Review status: criteria provided, single submitter. Criteria: GeneDx Variant Classification Process June 2021. Collection method: clinical testing. Allele origin: germline. Affected: yes.
Comment: Not observed at significant frequency in large population cohorts (gnomAD); In silico analysis supports that this missense variant has a deleterious effect on protein structure/function; Has not been previously published as pathogenic or benign to our knowledge; This variant is associated with the following publications: (PMID: 28475857, 29897170, 22982744)

Blueprint Genetics
Classification: Uncertain significance. Last evaluated: 2024-11-25. Review status: criteria provided, single submitter. Criteria: ACMG Guidelines, 2015. Collection method: clinical testing. Allele origin: germline.

NM_001365902.3(NFIX):c.325G>A (p.Asp109Asn)

Gene: NFIX (nuclear factor I X; plus strand). Cytogenetic location: 19p13.13.
Variant type: single nucleotide variant.
Coding change: c.325G>A on transcript NM_001365902.3 (MANE Select); coding-DNA position 325, G replaced by A.
Protein change: p.Asp109Asn; replaces aspartic acid 109 with asparagine.
Molecular consequence: missense variant.
Genome position (GRCh38, 1-based): chr19:13,025,318, G>A. VCF-style: chr19-13025318-G-A. GRCh37 (hg19) VCF-style: chr19-13136132-G-A.
Other names: c.349G>A, p.Asp117Asn (NM_001271043.2); c.301G>A, p.Asp101Asn (NM_001271044.3, NM_001378404.1, NM_001440616.1 and 1 more transcripts); c.325G>A, p.Asp109Asn (NM_001365982.2, NM_002501.4); c.184G>A, p.Asp62Asn (NM_001365983.2); c.322G>A, p.Asp108Asn (NM_001365984.2, NM_001365985.2); c.373G>A, p.Asp125Asn (NM_001378405.1); short protein forms D101N, D108N, D109N, D117N, D125N, D62N.
Identifiers: ClinVar variation 4075489 (VCV004075489.2).